The following is an entry in ClinVar:

ClinVar aggregate classification (germline): Uncertain significance. Review status: criteria provided, multiple submitters, no conflicts (2 of 4 stars). 2 submissions from 2 submitters: Uncertain significance (2). Last evaluated 2024-10-24.

Conditions:
Inborn genetic diseases. Identifiers: MedGen C0950123, MeSH D030342.
COG1 congenital disorder of glycosylation (CDG2G). Also called: CONGENITAL DISORDER OF GLYCOSYLATION, TYPE IIg; CDG IIg; CDGII/COG1 CEREBROCOSTOMANDIBULAR-LIKE SYNDROME. Identifiers: Orphanet 263508, MedGen C2931011, MONDO:0012637, OMIM 611209.

Allele frequency attached by ClinVar (database versions not stated): gnomAD 0.00009 and 0.00010; TOPMed 0.00009; gnomAD exomes 0.00014 and 0.00016; ExAC 0.00015; ESP Exome Variant Server 0.00015; 1000 Genomes Project 30x 0.00016; 1000 Genomes Project 0.00020.
gnomAD v4.1: 219 of 1,614,258 alleles (0.014%); highest among the groups gnomAD compares: Middle Eastern, 0.15%; 1 homozygote.

Submissions (2):

Labcorp Genetics (formerly Invitae), Labcorp
Classification: Uncertain significance for COG1 congenital disorder of glycosylation. Last evaluated: 2024-10-24. Review status: criteria provided, single submitter. Criteria: Invitae Variant Classification Sherloc (09022015). Collection method: clinical testing. Allele origin: germline.
Comment: This sequence change replaces leucine, which is neutral and non-polar, with methionine, which is neutral and non-polar, at codon 280 of the COG1 protein (p.Leu280Met). This variant is present in population databases (rs140691967, gnomAD 0.05%). This variant has not been reported in the literature in individuals affected with COG1-related conditions. ClinVar contains an entry for this variant (Variation ID: 324964). Invitae Evidence Modeling of protein sequence and biophysical properties (such as structural, functional, and spatial information, amino acid conservation, physicochemical variation, residue mobility, and thermodynamic stability) indicates that this missense variant is not expected to disrupt COG1 protein function with a negative predictive value of 80%. In summary, the available evidence is currently insufficient to determine the role of this variant in disease. Therefore, it has been classified as a Variant of Uncertain Significance.

Ambry Genetics
Classification: Uncertain significance for Inborn genetic diseases. Last evaluated: 2021-09-16. Review status: criteria provided, single submitter. Criteria: Ambry Variant Classification Scheme 2023. Collection method: clinical testing. Allele origin: germline.

NM_018714.3(COG1):c.838C>A (p.Leu280Met)

Gene: COG1 (component of oligomeric golgi complex 1; plus strand). Cytogenetic location: 17q25.1.
Variant type: single nucleotide variant.
Coding change: c.838C>A on transcript NM_018714.3 (MANE Select); coding-DNA position 838, C replaced by A.
Protein change: p.Leu280Met; replaces leucine 280 with methionine.
Molecular consequence: missense variant.
Genome position (GRCh38, 1-based): chr17:73,197,321, C>A. VCF-style: chr17-73197321-C-A. GRCh37 (hg19) VCF-style: chr17-71193460-C-A.
Other names: short protein forms L280M.
Identifiers: ClinVar variation 324964 (VCV000324964.9), dbSNP rs140691967, ClinGen allele CA8740076.